The following is an entry in ClinVar:

NM_005188.4(CBL):c.121C>T (p.His41Tyr)

Genes: CBL (Cbl proto-oncogene; plus strand), LOC130006895 (ATAC-STARR-seq lymphoblastoid silent region 3975; plus strand). Cytogenetic location: 11q23.3.
Variant type: single nucleotide variant.
Coding change: c.121C>T on transcript NM_005188.4 (MANE Select); coding-DNA position 121, C replaced by T.
Protein change: p.His41Tyr; replaces histidine 41 with tyrosine.
Molecular consequence: missense variant.
Genome position (GRCh38, 1-based): chr11:119,206,538, C>T. VCF-style: chr11-119206538-C-T. GRCh37 (hg19) VCF-style: chr11-119077248-C-T.
Other names: short protein forms H41Y.
Identifiers: ClinVar variation 1752714 (VCV001752714.7), dbSNP rs2135244192, ClinGen allele CA382976280.

ClinVar aggregate classification (germline): Uncertain significance. Review status: criteria provided, multiple submitters, no conflicts (2 of 4 stars). 2 submissions from 2 submitters: Uncertain significance (2). Last evaluated 2023-11-29.

Conditions:
RASopathy. Also called: Noonan spectrum disorder; rasopathies. Identifiers: Orphanet 536391, MedGen C5555857, MONDO:0021060.
Cardiovascular phenotype. Identifiers: MedGen CN230736.

Submissions (2):

Labcorp Genetics (formerly Invitae), Labcorp
Classification: Uncertain significance for RASopathy. Last evaluated: 2023-11-29. Review status: criteria provided, single submitter. Criteria: Invitae Variant Classification Sherloc (09022015). Collection method: clinical testing. Allele origin: germline.
Comment: This sequence change replaces histidine, which is basic and polar, with tyrosine, which is neutral and polar, at codon 41 of the CBL protein (p.His41Tyr). This variant is not present in population databases (gnomAD no frequency). This variant has not been reported in the literature in individuals affected with CBL-related conditions. ClinVar contains an entry for this variant (Variation ID: 1752714). Advanced modeling of protein sequence and biophysical properties (such as structural, functional, and spatial information, amino acid conservation, physicochemical variation, residue mobility, and thermodynamic stability) performed at Invitae indicates that this missense variant is not expected to disrupt CBL protein function with a negative predictive value of 95%. In summary, the available evidence is currently insufficient to determine the role of this variant in disease. Therefore, it has been classified as a Variant of Uncertain Significance.

Ambry Genetics
Classification: Uncertain significance for Cardiovascular phenotype. Last evaluated: 2021-10-25. Review status: criteria provided, single submitter. Criteria: Ambry Variant Classification Scheme 2023. Collection method: clinical testing. Allele origin: germline.
Comment: The p.H41Y variant (also known as c.121C>T), located in coding exon 1 of the CBL gene, results from a C to T substitution at nucleotide position 121. The histidine at codon 41 is replaced by tyrosine, an amino acid with similar properties. This amino acid position is conserved. In addition, the in silico prediction for this alteration is inconclusive. Since supporting evidence is limited at this time, the clinical significance of this alteration remains unclear.